The following is an entry in ClinVar:

NM_020549.5(CHAT):c.1145A>G (p.Glu382Gly)

Gene: CHAT (choline O-acetyltransferase; plus strand). Cytogenetic location: 10q11.23.
Variant type: single nucleotide variant.
Coding change: c.1145A>G on transcript NM_020549.5 (MANE Select); coding-DNA position 1145, A replaced by G.
Protein change: p.Glu382Gly; replaces glutamic acid 382 with glycine.
Molecular consequence: missense variant.
Genome position (GRCh38, 1-based): chr10:49,646,538, A>G. VCF-style: chr10-49646538-A-G. GRCh37 (hg19) VCF-style: chr10-50854584-A-G.
Other names: NM_020986.3:c.791A>G; c.791A>G, p.Glu264Gly (NM_001142929.2, NM_001142934.2, NM_020984.4 and 2 more transcripts); c.899A>G, p.Glu300Gly (NM_001142933.2); short protein forms E264G, E300G, E382G.
Identifiers: ClinVar variation 1679846 (VCV001679846.1), dbSNP rs2132799619, ClinGen allele CA376739599.

ClinVar aggregate classification (germline): Uncertain significance (1 of 4 stars; one submission).

Conditions:
Familial infantile myasthenia (CMS6). Also called: MYASTHENIC SYNDROME, PRESYNAPTIC, CONGENITAL, ASSOCIATED WITH EPISODIC APNEA; MYASTHENIC SYNDROME, CONGENITAL, 6, PRESYNAPTIC; Congenital myasthenic syndrome type 6. Identifiers: Orphanet 590, MedGen C0393929, MONDO:0009689, OMIM 254210.

Submission:

Broad Center for Mendelian Genomics, Broad Institute of MIT and Harvard
Classification: Uncertain significance for Familial infantile myasthenia. Last evaluated: 2022-05-04. Review status: criteria provided, single submitter. Criteria: ACMG Guidelines, 2015. Collection method: curation. Allele origin: germline. Inheritance: Autosomal recessive inheritance.
Comment: The variant has not been previously reported in individuals with congenital myasthenic syndrome 6 and was absent from large population studies. Computational prediction tools and conservation analyses suggest that this variant may impact the protein, though this information is not predictive enough to determine pathogenicity. In summary, the clinical significance of the p.Glu382Gly variant is uncertain. ACMG/AMP Criteria applied: PM2, PP3 (Richards 2015).